The following is an entry in ClinVar:

NM_198578.4(LRRK2):c.5680T>G (p.Tyr1894Asp)

Gene: LRRK2 (leucine rich repeat kinase 2; plus strand). Cytogenetic location: 12q12.
Variant type: single nucleotide variant.
Coding change: c.5680T>G on transcript NM_198578.4 (MANE Select); coding-DNA position 5680, T replaced by G.
Protein change: p.Tyr1894Asp; replaces tyrosine 1894 with aspartic acid.
Molecular consequence: missense variant.
Genome position (GRCh38, 1-based): chr12:40,328,383, T>G. VCF-style: chr12-40328383-T-G. GRCh37 (hg19) VCF-style: chr12-40722185-T-G.
Other names: short protein forms Y1894D.
Identifiers: ClinVar variation 3540473 (VCV003540473.1).

ClinVar aggregate classification (germline): Uncertain significance (1 of 4 stars; one submission).

Conditions:
Inborn genetic diseases. Identifiers: MedGen C0950123, MeSH D030342.

Submission:

Ambry Genetics
Classification: Uncertain significance for Inborn genetic diseases. Last evaluated: 2024-09-09. Review status: criteria provided, single submitter. Criteria: Ambry Variant Classification Scheme 2023. Collection method: clinical testing. Allele origin: germline.
Comment: The p.Y1894D variant (also known as c.5680T>G), located in coding exon 39 of the LRRK2 gene, results from a T to G substitution at nucleotide position 5680. The tyrosine at codon 1894 is replaced by aspartic acid, an amino acid with highly dissimilar properties. This amino acid position is conserved. In addition, this alteration is predicted to be deleterious by in silico analysis. Based on the available evidence, the clinical significance of this variant remains unclear.